The following is an entry in ClinVar:

ClinVar aggregate classification (germline): Uncertain significance. Review status: criteria provided, multiple submitters, no conflicts (2 of 4 stars). 3 submissions from 3 submitters: Uncertain significance (3). Last evaluated 2025-11-17.

Conditions:
Inborn genetic diseases. Identifiers: MedGen C0950123, MeSH D030342.
Congenital generalized lipodystrophy type 2 (CGL2). Also called: BERARDINELLI SYNDROME; BRUNZELL SYNDROME, BSCL2-RELATED; SEIP SYNDROME; Berardinelli-Seip Congenital Lipodystrophy Type 2. Identifiers: Orphanet 528, Orphanet 696289, MedGen C1720863, MONDO:0010020, OMIM 269700.
Severe neurodegenerative syndrome with lipodystrophy. Also called: ENCEPHALOPATHY, PROGRESSIVE, WITH LIPODYSTROPHY; Encephalopathy, progressive, with or without lipodystrophy. Identifiers: Orphanet 363400, MedGen C4014700, MONDO:0014402, OMIM 615924.
Neuronopathy, distal hereditary motor, type 5C. Also called: DHMN VC; NEURONOPATHY, DISTAL HEREDITARY MOTOR, HARDING TYPE VC; NEUROPATHY, DISTAL HEREDITARY MOTOR, HARDING TYPE VC; SPINAL MUSCULAR ATROPHY, DISTAL, HARDING TYPE VC; NEURONOPATHY, DISTAL HEREDITARY MOTOR, AUTOSOMAL DOMINANT 13. Identifiers: MedGen C5436838, MONDO:0030860, OMIM 619112.
Hereditary spastic paraplegia 17. Also called: Silver spastic paraplegia syndrome; Spastic Paraplegia 17; Autosomal dominant spastic paraplegia type 17; Silver Syndrome; SPASTIC PARAPLEGIA WITH AMYOTROPHY OF HANDS AND FEET. Identifiers: Orphanet 100998, MedGen C2931276, MONDO:0010043, OMIM 270685.
Charcot-Marie-Tooth disease type 2. Also called: Charcot-Marie-Tooth type 2. Identifiers: Orphanet 64746, MedGen C0270914, MONDO:0018993.

Allele frequency attached by ClinVar (database versions not stated): gnomAD 0.00001; gnomAD exomes 0.00002 and 0.00005; TOPMed 0.00002; ExAC 0.00002.
gnomAD v4.1: 74 of 1,614,114 alleles (0.0046%); highest among the groups gnomAD compares: Non-Finnish European, 0.0057%; no homozygotes.

Submissions (3):

Labcorp Genetics (formerly Invitae), Labcorp
Classification: Uncertain significance for Charcot-Marie-Tooth disease type 2. Last evaluated: 2025-11-17. Review status: criteria provided, single submitter. Criteria: Invitae Variant Classification Sherloc (09022015). Collection method: clinical testing. Allele origin: germline.
Comment: This sequence change affects codon 293 of the BSCL2 mRNA. It is a 'silent' change, meaning that it does not change the encoded amino acid sequence of the BSCL2 protein. It affects a nucleotide within the consensus splice site. This variant is present in population databases (rs113336810, gnomAD 0.003%). This variant has not been reported in the literature in individuals affected with BSCL2-related conditions. ClinVar contains an entry for this variant (Variation ID: 939665). Algorithms developed to predict the effect of sequence changes on RNA splicing suggest that this variant is not likely to affect RNA splicing. In summary, the available evidence is currently insufficient to determine the role of this variant in disease. Therefore, it has been classified as a Variant of Uncertain Significance.

Fulgent Genetics
Classification: Uncertain significance for Congenital generalized lipodystrophy type 2; Hereditary spastic paraplegia 17; Severe neurodegenerative syndrome with lipodystrophy; Neuronopathy, distal hereditary motor, type 5C. Last evaluated: 2024-04-10. Review status: criteria provided, single submitter. Criteria: ACMG Guidelines, 2015. Collection method: clinical testing. Allele origin: germline.

Ambry Genetics
Classification: Uncertain significance for Inborn genetic diseases. Last evaluated: 2021-09-17. Review status: criteria provided, single submitter. Criteria: Ambry Variant Classification Scheme 2023. Collection method: clinical testing. Allele origin: germline.
Comment: The c.879A>G variant (also known as p.P293P) is located in coding exon 7 of the BSCL2 gene. This variant results from an A to G substitution at nucleotide position 879. This nucleotide substitution does not change the proline at codon 293. This nucleotide position is well conserved in available vertebrate species. In silico splice site analysis predicts that this alteration will result in the creation or strengthening of a novel splice donor site. Since supporting evidence is limited at this time, the clinical significance of this alteration remains unclear.

NM_001122955.4(BSCL2):c.1071A>G (p.Pro357=)

Genes: BSCL2 (BSCL2 lipid droplet biogenesis associated, seipin; minus strand), HNRNPUL2-BSCL2 (HNRNPUL2-BSCL2 readthrough (NMD candidate); minus strand). Cytogenetic location: 11q12.3.
Variant type: single nucleotide variant.
Coding change: c.1071A>G on transcript NM_001122955.4 (MANE Select); coding-DNA position 1071, A replaced by G.
Protein change: p.Pro357=; no amino-acid change (proline 357 retained).
Molecular consequence: synonymous variant. On other transcripts: non-coding transcript variant (1), missense variant (1).
Genome position (GRCh38, 1-based): chr11:62,691,076, T>C on the plus strand (A>G on the coding strand, the complement: BSCL2 is on the minus strand). VCF-style: chr11-62691076-T-C. GRCh37 (hg19) VCF-style: chr11-62458548-T-C.
Other names: c.737A>G, p.Gln246Arg (NM_001130702.2); c.1071A>G, p.Pro357= (NM_001386027.1, NM_001386028.1); c.879A>G, p.Pro293= (NM_032667.6); short protein forms Q246R.
Identifiers: ClinVar variation 939665 (VCV000939665.12), dbSNP rs113336810, ClinGen allele CA6053348.